The following is an entry in ClinVar:

NM_000937.5(POLR2A):c.1378C>T (p.Arg460Trp)

Gene: POLR2A (RNA polymerase II subunit A; plus strand). Cytogenetic location: 17p13.1.
Variant type: single nucleotide variant.
Coding change: c.1378C>T on transcript NM_000937.5 (MANE Select); coding-DNA position 1378, C replaced by T.
Protein change: p.Arg460Trp; replaces arginine 460 with tryptophan.
Molecular consequence: missense variant.
Genome position (GRCh38, 1-based): chr17:7,499,081, C>T. VCF-style: chr17-7499081-C-T. GRCh37 (hg19) VCF-style: chr17-7402400-C-T.
Other names: short protein forms R460W.
Identifiers: ClinVar variation 3371780 (VCV003371780.1).
Genomic context (GRCh38, chr17:7,499,081, plus strand): 5'-CTTACCTCACCTCTCTAGGTGGAACGGCACATGTGTGATGGGGACATTGTTATCTTCAAC[C>T]GGCAGCCAACTCTGCACAAAATGTCCATGATGGGGCATCGGGTCCGCATTCTCCCATGGT-3'
Protein context (NP_000928.1, residues 450-470): MCDGDIVIFN[Arg460Trp]QPTLHKMSMM

ClinVar aggregate classification (germline): Uncertain significance (1 of 4 stars; one submission).

Submission:

GeneDx
Classification: Uncertain significance. Last evaluated: 2024-03-27. Review status: criteria provided, single submitter. Criteria: GeneDx Variant Classification Process June 2021. Collection method: clinical testing. Allele origin: germline. Affected: yes.
Comment: Not observed at significant frequency in large population cohorts (gnomAD); In silico analysis supports that this missense variant has a deleterious effect on protein structure/function; Has not been previously published as pathogenic or benign to our knowledge